The following is an entry in ClinVar:

ClinVar aggregate classification (germline): Uncertain significance (1 of 4 stars; one submission).

Conditions:
NIK deficiency. Also called: Primary immunodeficiency with multifaceted aberrant lymphoid immunity. Identifiers: Orphanet 447731, MedGen C5680065, MONDO:0018642.

Submission:

Labcorp Genetics (formerly Invitae), Labcorp
Classification: Uncertain significance for NIK deficiency. Last evaluated: 2025-09-08. Review status: criteria provided, single submitter. Criteria: Invitae Variant Classification Sherloc (09022015). Collection method: clinical testing. Allele origin: germline.
Comment: This variant, c.1324_1413dup, results in the duplication of 29 amino acid(s) of the MAP3K14 protein (p.Met442_Leu471dup), but otherwise preserves the integrity of the reading frame. This variant is not present in population databases (gnomAD no frequency). This variant has not been reported in the literature in individuals affected with MAP3K14-related conditions. ClinVar contains an entry for this variant (Variation ID: 1367414). Experimental studies and prediction algorithms are not available or were not evaluated, and the functional significance of this variant is currently unknown. In summary, the available evidence is currently insufficient to determine the role of this variant in disease. Therefore, it has been classified as a Variant of Uncertain Significance.

NM_003954.5(MAP3K14):c.1324_1413dup (p.Met442_Leu471dup)

Gene: MAP3K14 (mitogen-activated protein kinase kinase kinase 14; minus strand). Cytogenetic location: 17q21.31.
Variant type: Duplication.
Coding change: c.1324_1413dup on transcript NM_003954.5 (MANE Select); coding-DNA positions 1324 to 1413, 90 bases duplicated.
Protein change: p.Met442_Leu471dup.
Molecular consequence: inframe insertion.
Genome position (GRCh38, 1-based): chr17:45,274,471-45,274,560, 90 bases duplicated. GRCh37 (hg19): chr17:43,351,845-43,351,934.
Identifiers: ClinVar variation 1367414 (VCV001367414.8), dbSNP rs2143792066, ClinGen allele CA2573153963.